The following is an entry in ClinVar:

NM_152419.3(HGSNAT):c.1069T>C (p.Phe357Leu)

Gene: HGSNAT (heparan-alpha-glucosaminide N-acetyltransferase; plus strand). Cytogenetic location: 8p11.21.
Variant type: single nucleotide variant.
Coding change: c.1069T>C on transcript NM_152419.3 (MANE Select); coding-DNA position 1069, T replaced by C.
Protein change: p.Phe357Leu; replaces phenylalanine 357 with leucine.
Molecular consequence: missense variant.
Genome position (GRCh38, 1-based): chr8:43,182,201, T>C. VCF-style: chr8-43182201-T-C. GRCh37 (hg19) VCF-style: chr8-43037344-T-C.
Other names: c.1069T>C, p.Phe357Leu (NM_001363227.2); c.877T>C, p.Phe293Leu (NM_001363228.2); c.205T>C, p.Phe69Leu (NM_001363229.2); short protein forms F293L, F357L, F69L.
Identifiers: ClinVar variation 1472537 (VCV001472537.8), dbSNP rs2130783774, ClinGen allele CA371118411.

ClinVar aggregate classification (germline): Uncertain significance (1 of 4 stars; one submission).

Conditions:
Mucopolysaccharidosis, MPS-III-C (MPS3C). Also called: SANFILIPPO SYNDROME C; MPS III C; MPS IIIC (Sanfilippo Syndrome Type C); MUCOPOLYSACCHARIDOSIS, TYPE IIIC; Mucopolysaccharidosis type IIIC (Sanfilippo C); mucopolysaccharidosis type 3C. Identifiers: Orphanet 581, Orphanet 79271, MedGen C0086649, MONDO:0009657, OMIM 252930.
Retinitis pigmentosa 73 (RP73). Identifiers: Orphanet 791, MedGen C4225287, MONDO:0014687, OMIM 616544.

Submission:

Labcorp Genetics (formerly Invitae), Labcorp
Classification: Uncertain significance for Retinitis pigmentosa 73; Mucopolysaccharidosis, MPS-III-C. Last evaluated: 2021-05-20. Review status: criteria provided, single submitter. Criteria: Invitae Variant Classification Sherloc (09022015). Collection method: clinical testing. Allele origin: germline.
Comment: In summary, the available evidence is currently insufficient to determine the role of this variant in disease. Therefore, it has been classified as a Variant of Uncertain Significance. Advanced modeling of protein sequence and biophysical properties (such as structural, functional, and spatial information, amino acid conservation, physicochemical variation, residue mobility, and thermodynamic stability) performed at Invitae indicates that this missense variant is not expected to disrupt HGSNAT protein function. This variant has not been reported in the literature in individuals with HGSNAT-related conditions. This variant is not present in population databases (ExAC no frequency). This sequence change replaces phenylalanine with leucine at codon 357 of the HGSNAT protein (p.Phe357Leu). The phenylalanine residue is moderately conserved and there is a small physicochemical difference between phenylalanine and leucine.